The following is an entry in ClinVar:

ClinVar aggregate classification (germline): Uncertain significance. Review status: criteria provided, multiple submitters, no conflicts (2 of 4 stars). 4 submissions from 4 submitters: Uncertain significance (4). Last evaluated 2026-07-22.

Conditions:
Inborn genetic diseases. Identifiers: MedGen C0950123, MeSH D030342.
CEP78-related disorder. Also called: CEP78-related condition.

Allele frequency attached by ClinVar (database versions not stated): TOPMed 0.00002; ExAC 0.00004.
gnomAD v4.1: 18 of 1,589,006 alleles (0.0011%); highest among the groups gnomAD compares: East Asian, 0.011%; no homozygotes.

Submissions (4):

PreventionGenetics, part of Exact Sciences
Classification: Uncertain significance for CEP78-related condition. Last evaluated: 2026-07-22. Review status: criteria provided, single submitter. Criteria: ACMG Guidelines, 2015. Collection method: clinical testing. Allele origin: germline.
Comment: The CEP78 c.478A>G variant is predicted to result in the amino acid substitution p.Ile160Val. To our knowledge, this variant has not been reported in the literature. This variant is reported in 0.0064% of alleles in individuals of East Asian descent in gnomAD. At this time, the clinical significance of this variant is uncertain due to the absence of conclusive functional and genetic evidence.

Ambry Genetics
Classification: Uncertain significance for Inborn genetic diseases. Last evaluated: 2024-12-11. Review status: criteria provided, single submitter. Criteria: Ambry Variant Classification Scheme 2023. Collection method: clinical testing. Allele origin: germline.

Labcorp Genetics (formerly Invitae), Labcorp
Classification: Uncertain significance. Last evaluated: 2022-02-23. Review status: criteria provided, single submitter. Criteria: Invitae Variant Classification Sherloc (09022015). Collection method: clinical testing. Allele origin: germline.
Comment: This sequence change replaces isoleucine, which is neutral and non-polar, with valine, which is neutral and non-polar, at codon 160 of the CEP78 protein (p.Ile160Val). The frequency data for this variant in the population databases is considered unreliable, as metrics indicate poor data quality at this position in the gnomAD database. This variant has not been reported in the literature in individuals affected with CEP78-related conditions. Algorithms developed to predict the effect of missense changes on protein structure and function output the following: SIFT: "Tolerated"; PolyPhen-2: "Benign"; Align-GVGD: "Class C0". The valine amino acid residue is found in multiple mammalian species, which suggests that this missense change does not adversely affect protein function. Algorithms developed to predict the effect of sequence changes on RNA splicing suggest that this variant may create or strengthen a splice site. In summary, the available evidence is currently insufficient to determine the role of this variant in disease. Therefore, it has been classified as a Variant of Uncertain Significance.

Blueprint Genetics
Classification: Uncertain significance. Last evaluated: 2019-01-30. Review status: criteria provided, single submitter. Criteria: ACMG Guidelines, 2015. Collection method: clinical testing. Allele origin: germline.

NM_001330691.3(CEP78):c.478A>G (p.Ile160Val)

Gene: CEP78 (centrosomal protein 78; plus strand). Cytogenetic location: 9q21.2.
Variant type: single nucleotide variant.
Coding change: c.478A>G on transcript NM_001330691.3 (MANE Select); coding-DNA position 478, A replaced by G.
Protein change: p.Ile160Val; replaces isoleucine 160 with valine.
Molecular consequence: missense variant.
Genome position (GRCh38, 1-based): chr9:78,240,343, A>G. VCF-style: chr9-78240343-A-G. GRCh37 (hg19) VCF-style: chr9-80855259-A-G.
Other names: c.478A>G, p.Ile160Val (NM_001098802.3, NM_001330693.3, NM_001330694.2 and 4 more transcripts); c.478A>G (NM_001098802.1); short protein forms I160V.
Identifiers: ClinVar variation 1418653 (VCV001418653.8), dbSNP rs753099974, ClinGen allele CA5094926.